The following is an entry in ClinVar:

NM_152564.5(VPS13B):c.2013+3A>G

Gene: VPS13B (vacuolar protein sorting 13 homolog B; plus strand). Cytogenetic location: 8q22.2.
Variant type: single nucleotide variant.
Coding change: c.2013+3A>G on transcript NM_152564.5 (MANE Select); 3 bases into the intron after coding-DNA position 2013, A replaced by G.
Molecular consequence: intron variant.
Genome position (GRCh38, 1-based): chr8:99,148,013, A>G. VCF-style: chr8-99148013-A-G. GRCh37 (hg19) VCF-style: chr8-100160241-A-G.
Other names: c.2013+3A>G (NM_017890.5, NM_015243.3).
Identifiers: ClinVar variation 2438530 (VCV002438530.5), dbSNP rs1810834447, ClinGen allele CA1805606978.

ClinVar aggregate classification (germline): Uncertain significance. Review status: criteria provided, multiple submitters, no conflicts (2 of 4 stars). 2 submissions from 2 submitters: Uncertain significance (2). Last evaluated 2024-03-10.

Conditions:
Cohen syndrome (COH1). Also called: Cutis verticis gyrata, retinitis pigmentosa, and sensorineural deafness; PEPPER SYNDROME. Identifiers: Orphanet 193, MedGen C0265223, MONDO:0008999, OMIM 216550.

Allele frequency attached by ClinVar (database versions not stated): gnomAD exomes below 0.00001; TOPMed below 0.00001.
gnomAD v4.1: 2 of 1,606,094 alleles (0.00012%); highest among the groups gnomAD compares: Non-Finnish European, 0.000085%; no homozygotes.

Submissions (2):

Labcorp Genetics (formerly Invitae), Labcorp
Classification: Uncertain significance for Cohen syndrome. Last evaluated: 2024-03-10. Review status: criteria provided, single submitter. Criteria: Invitae Variant Classification Sherloc (09022015). Collection method: clinical testing. Allele origin: germline.
Comment: This sequence change falls in intron 14 of the VPS13B gene. It does not directly change the encoded amino acid sequence of the VPS13B protein. It affects a nucleotide within the consensus splice site. This variant is not present in population databases (gnomAD no frequency). This variant has not been reported in the literature in individuals affected with VPS13B-related conditions. ClinVar contains an entry for this variant (Variation ID: 2438530). Variants that disrupt the consensus splice site are a relatively common cause of aberrant splicing (PMID: 17576681, 9536098). Algorithms developed to predict the effect of sequence changes on RNA splicing suggest that this variant may disrupt the consensus splice site. In summary, the available evidence is currently insufficient to determine the role of this variant in disease. Therefore, it has been classified as a Variant of Uncertain Significance.

Revvity Omics, Revvity
Classification: Uncertain significance for Cohen syndrome. Last evaluated: 2019-05-06. Review status: criteria provided, single submitter. Criteria: ACMG Guidelines, 2015. Collection method: clinical testing. Allele origin: germline.

Literature cited by the submitters: PubMed 17576681 (cited by Labcorp Genetics (formerly Invitae), Labcorp); PubMed 9536098 (cited by Labcorp Genetics (formerly Invitae), Labcorp).